The following is an entry in ClinVar:

NM_001130144.3(LTBP3):c.2164C>A (p.Pro722Thr)

Genes: LTBP3 (latent transforming growth factor beta binding protein 3; minus strand), LOC130006030 (ATAC-STARR-seq lymphoblastoid silent region 3533; plus strand). Cytogenetic location: 11q13.1.
Variant type: single nucleotide variant.
Coding change: c.2164C>A on transcript NM_001130144.3 (MANE Select); coding-DNA position 2164, C replaced by A.
Protein change: p.Pro722Thr; replaces proline 722 with threonine.
Molecular consequence: missense variant.
Genome position (GRCh38, 1-based): chr11:65,546,864, G>T on the plus strand (C>A on the coding strand, the complement: LTBP3 is on the minus strand). VCF-style: chr11-65546864-G-T. GRCh37 (hg19) VCF-style: chr11-65314335-G-T.
Other names: c.1813C>A, p.Pro605Thr (NM_001164266.1); c.2164C>A, p.Pro722Thr (NM_021070.4); short protein forms P605T, P722T.
Identifiers: ClinVar variation 2709489 (VCV002709489.3), dbSNP rs747999473, ClinGen allele CA381270066.

ClinVar aggregate classification (germline): Uncertain significance (1 of 4 stars; one submission).

Conditions:
Brachyolmia-amelogenesis imperfecta syndrome. Also called: PLATYSPONDYLY WITH AMELOGENESIS IMPERFECTA; Tooth agenesis, selective, 6; Dental anomalies and short stature. Identifiers: Orphanet 2899, MedGen C1832594, MONDO:0011018, OMIM 601216. Disease mechanism: loss of function.

Submission:

Labcorp Genetics (formerly Invitae), Labcorp
Classification: Uncertain significance for Brachyolmia-amelogenesis imperfecta syndrome. Last evaluated: 2024-02-22. Review status: criteria provided, single submitter. Criteria: Invitae Variant Classification Sherloc (09022015). Collection method: clinical testing. Allele origin: germline.
Comment: This sequence change replaces proline, which is neutral and non-polar, with threonine, which is neutral and polar, at codon 722 of the LTBP3 protein (p.Pro722Thr). This variant is not present in population databases (gnomAD no frequency). This variant has not been reported in the literature in individuals affected with LTBP3-related conditions. An algorithm developed to predict the effect of missense changes on protein structure and function (PolyPhen-2) suggests that this variant is likely to be disruptive. In summary, the available evidence is currently insufficient to determine the role of this variant in disease. Therefore, it has been classified as a Variant of Uncertain Significance.